The following is an entry in ClinVar:

NM_001029896.2(WDR45):c.745_746inv (p.Ser249Asp)

Gene: WDR45 (WD repeat domain 45; minus strand). Cytogenetic location: Xp11.23.
Variant type: Inversion.
Coding change: c.745_746inv on transcript NM_001029896.2 (MANE Select).
Protein change: p.Ser249Asp; replaces serine 249 with aspartic acid.
Molecular consequence: missense variant.
Genome position: GRCh38 VCF-style: chrX-49075445-GA-TC. GRCh37 (hg19) VCF-style: chrX-48933104-GA-TC.
Other names: short protein forms S249D.
Identifiers: ClinVar variation 493519 (VCV000493519.11), ClinGen allele CA658684304.

ClinVar aggregate classification (germline): Uncertain significance. Review status: criteria provided, multiple submitters, no conflicts (2 of 4 stars). 2 submissions from 2 submitters: Uncertain significance (2). Last evaluated 2022-01-06.

Conditions:
Neurodegeneration with brain iron accumulation 5 (NBIA5). Also called: Beta-propeller protein-associated neurodegeneration; STATIC ENCEPHALOPATHY OF CHILDHOOD WITH NEURODEGENERATION IN ADULTHOOD. Identifiers: Orphanet 329284, MedGen C3550973, MONDO:0010476, OMIM 300894.

Submissions (2):

Labcorp Genetics (formerly Invitae), Labcorp
Classification: Uncertain significance for Neurodegeneration with brain iron accumulation 5. Last evaluated: 2022-01-06. Review status: criteria provided, single submitter. Criteria: Invitae Variant Classification Sherloc (09022015). Collection method: clinical testing. Allele origin: germline.
Comment: Algorithms developed to predict the effect of missense changes on protein structure and function are either unavailable or do not agree on the potential impact of this missense change (SIFT: "Not Available"; PolyPhen-2: "Benign"; Align-GVGD: "Not Available"). In summary, the available evidence is currently insufficient to determine the role of this variant in disease. Therefore, it has been classified as a Variant of Uncertain Significance. ClinVar contains an entry for this variant (Variation ID: 493519). This variant has not been reported in the literature in individuals affected with WDR45-related conditions. Information on the frequency of this variant in the gnomAD database is not available, as this variant may be reported differently in the database. This sequence change replaces serine, which is neutral and polar, with aspartic acid, which is acidic and polar, at codon 250 of the WDR45 protein (p.Ser250Asp).

CeGaT Center for Human Genetics Tuebingen
Classification: Uncertain significance. Last evaluated: 2017-10-31. Review status: criteria provided, single submitter. Criteria: Praxis fuer Humangenetik Tuebingen - Variant Classification Criteria. Collection method: clinical testing. Allele origin: germline. Affected: yes. Observed: 1 variant allele.